The following is an entry in ClinVar:

ClinVar aggregate classification (germline): Uncertain significance (1 of 4 stars; one submission).

Conditions:
Hereditary cancer-predisposing syndrome. Also called: Neoplastic Syndromes, Hereditary; Tumor predisposition; Hereditary Cancer Syndrome; Hereditary neoplastic syndrome. Identifiers: Orphanet 140162, MedGen C0027672, MeSH D009386, MONDO:0015356.

Submission:

Ambry Genetics
Classification: Uncertain significance for Hereditary cancer-predisposing syndrome. Last evaluated: 2026-06-08. Review status: criteria provided, single submitter. Criteria: Ambry Variant Classification Scheme 2023. Collection method: clinical testing. Allele origin: germline.
Comment: The p.I1186M variant (also known as c.3558C>G), located in coding exon 28 of the EGFR gene, results from a C to G substitution at nucleotide position 3558. The isoleucine at codon 1186 is replaced by methionine, an amino acid with highly similar properties. This amino acid position is conserved. In addition, this alteration is predicted to be tolerated by in silico analysis. Based on the available evidence, the clinical significance of this variant remains unclear.

NM_005228.5(EGFR):c.3558C>G (p.Ile1186Met)

Gene: EGFR (epidermal growth factor receptor; plus strand). Cytogenetic location: 7p11.2.
Variant type: single nucleotide variant.
Coding change: c.3558C>G on transcript NM_005228.5 (MANE Select); coding-DNA position 3558, C replaced by G.
Protein change: p.Ile1186Met; replaces isoleucine 1186 with methionine.
Molecular consequence: missense variant.
Genome position (GRCh38, 1-based): chr7:55,205,542, C>G. VCF-style: chr7-55205542-C-G. GRCh37 (hg19) VCF-style: chr7-55273235-C-G.
Other names: c.3423C>G, p.Ile1141Met (NM_001346899.2); c.3399C>G, p.Ile1133Met (NM_001346900.2); c.2757C>G, p.Ile919Met (NM_001346941.2); short protein forms I1133M, I1141M, I1186M, I919M.
Identifiers: ClinVar variation 4870292 (VCV004870292.1).